The following is an entry in ClinVar:

NM_002470.4(MYH3):c.4819C>T (p.Arg1607Trp)

Gene: MYH3 (myosin heavy chain 3; minus strand). Cytogenetic location: 17p13.1.
Variant type: single nucleotide variant.
Coding change: c.4819C>T on transcript NM_002470.4 (MANE Select); coding-DNA position 4819, C replaced by T.
Protein change: p.Arg1607Trp; replaces arginine 1607 with tryptophan.
Molecular consequence: missense variant.
Genome position (GRCh38, 1-based): chr17:10,632,613, G>A on the plus strand (C>T on the coding strand, the complement: MYH3 is on the minus strand). VCF-style: chr17-10632613-G-A. GRCh37 (hg19) VCF-style: chr17-10535930-G-A.
Other names: c.4819C>T (NM_002470.3); short protein forms R1607W.
Identifiers: ClinVar variation 1982973 (VCV001982973.5), dbSNP rs143215470, ClinGen allele CA8392110.
Genomic context (GRCh38, chr17:10,632,613, plus strand): 5'-CGATTTCATTCAGGTCCCCCTCCATCTTCTTCTTGAGCCGGATGGCTTCATTCCTGCTCC[G>A]CACCTCGGCGTCCAGGGCGCTCTGCATGGTTTCCACTGTTCTCTGGTAGTTCCTCTTCAG-3'
Protein context (NP_002461.2, residues 1597-1617): TMQSALDAEV[Arg1607Trp]SRNEAIRLKK

ClinVar aggregate classification (germline): Uncertain significance. Review status: criteria provided, multiple submitters, no conflicts (2 of 4 stars). 2 submissions from 2 submitters: Uncertain significance (2). Last evaluated 2026-01-05.

Conditions:
Inborn genetic diseases. Identifiers: MedGen C0950123, MeSH D030342.

Allele frequency attached by ClinVar (database versions not stated): ExAC 0.00003; gnomAD exomes 0.00003; gnomAD 0.00004; TOPMed 0.00009; ESP Exome Variant Server 0.00015.

Submissions (2):

Labcorp Genetics (formerly Invitae), Labcorp
Classification: Uncertain significance. Last evaluated: 2026-01-05. Review status: criteria provided, single submitter. Criteria: Invitae Variant Classification Sherloc (09022015). Collection method: clinical testing. Allele origin: germline.
Comment: This sequence change replaces arginine, which is basic and polar, with tryptophan, which is neutral and slightly polar, at codon 1607 of the MYH3 protein (p.Arg1607Trp). This variant is present in population databases (rs143215470, gnomAD 0.02%). This variant has not been reported in the literature in individuals affected with MYH3-related conditions. ClinVar contains an entry for this variant (Variation ID: 1982973). Invitae Evidence Modeling of protein sequence and biophysical properties (such as structural, functional, and spatial information, amino acid conservation, physicochemical variation, residue mobility, and thermodynamic stability) indicates that this missense variant is not expected to disrupt MYH3 protein function with a negative predictive value of 95%. In summary, the available evidence is currently insufficient to determine the role of this variant in disease. Therefore, it has been classified as a Variant of Uncertain Significance.

Ambry Genetics
Classification: Uncertain significance for Inborn genetic diseases. Last evaluated: 2024-05-08. Review status: criteria provided, single submitter. Criteria: Ambry Variant Classification Scheme 2023. Collection method: clinical testing. Allele origin: germline.